The following is an entry in ClinVar:

NM_000219.6(KCNE1):c.296T>A (p.Val99Asp)

Gene: KCNE1 (potassium voltage-gated channel subfamily E regulatory subunit 1; minus strand). Cytogenetic location: 21q22.12.
Variant type: single nucleotide variant.
Coding change: c.296T>A on transcript NM_000219.6 (MANE Select); coding-DNA position 296, T replaced by A.
Protein change: p.Val99Asp; replaces valine 99 with aspartic acid.
Molecular consequence: missense variant.
Genome position (GRCh38, 1-based): chr21:34,449,339, A>T on the plus strand (T>A on the coding strand, the complement: KCNE1 is on the minus strand). VCF-style: chr21-34449339-A-T. GRCh37 (hg19) VCF-style: chr21-35821637-A-T.
Other names: c.296T>A, p.Val99Asp (NM_001127668.4, NM_001127669.4, NM_001127670.4 and 4 more transcripts); short protein forms V99D.
Identifiers: ClinVar variation 3374561 (VCV003374561.2).

Conditions:
Long QT syndrome 5 (LQT5). Identifiers: Orphanet 101016, Orphanet 768, MedGen C1867904, MONDO:0013372, OMIM 613695.

Submission:

Roden Lab, Vanderbilt University Medical Center
No classification provided (evidence only). Condition: Long QT syndrome 5. Review status: no classification provided. Collection method: in vitro. Allele origin: not applicable. Functional consequence: Effect on ion channel function.
ClinVar note: "not provided" was previously submitted as the classification for the variant. However, the classification appeared to be based only on an observation of functional data so it was converted to no classification on 2025-07-30.